The following is an entry in ClinVar:

ClinVar aggregate classification (germline): Likely pathogenic (1 of 4 stars; one submission).

Conditions:
Hereditary cancer-predisposing syndrome. Also called: Neoplastic Syndromes, Hereditary; Tumor predisposition; Hereditary Cancer Syndrome; Hereditary neoplastic syndrome. Identifiers: Orphanet 140162, MedGen C0027672, MeSH D009386, MONDO:0015356.

Submission:

Ambry Genetics
Classification: Likely pathogenic for Hereditary cancer-predisposing syndrome. Last evaluated: 2026-02-27. Review status: criteria provided, single submitter. Criteria: Ambry Variant Classification Scheme 2023. Collection method: clinical testing. Allele origin: germline.
Comment: The c.2985delC variant, located in coding exon 15 of the APC gene, results from a deletion of one nucleotide at nucleotide position 2985, causing a translational frameshift with a predicted alternate stop codon (p.C995*). This variant occurs at the 3' terminus of the gene, is not expected to trigger nonsense-mediated mRNA decay, and impacts the last 65% of the protein. However, premature stop codons are typically deleterious in nature and a significant portion of the protein is affected (Ambry internal data). This variant is considered to be rare based on population cohorts in the Genome Aggregation Database (gnomAD). Based on the majority of available evidence to date, this variant is likely to be pathogenic.

NM_000038.6(APC):c.2985del (p.Phe994_Cys995insTer)

Gene: APC (APC regulator of Wnt signaling pathway; plus strand). Cytogenetic location: 5q22.2.
Variant type: Deletion.
Coding change: c.2985del on transcript NM_000038.6 (MANE Select); coding-DNA position 2985, one base deleted (C; older notation c.2985delC).
Protein change: p.Phe994_Cys995insTer.
Molecular consequence: nonsense. On other transcripts: non-coding transcript variant (2).
Genome position (GRCh38, 1-based): chr5:112,838,579, C deleted. VCF-style (leftmost placement, unchanged base first): chr5-112838578-GC-G. GRCh37 (hg19) VCF-style: chr5-112174275-GC-G.
Other names: c.2682del, p.Phe893_Cys894insTer (NM_001407459.1, NM_001407460.1, NM_001407458.1 and 1 more transcripts); c.2598del, p.Phe865_Cys866insTer (NM_001407467.1, NM_001407469.1); c.2136del, p.Phe711_Cys712insTer (NM_001407470.1, NM_001354906.2); c.1833del, p.Phe610_Cys611insTer (NM_001407471.1, NM_001407472.1); c.2736del, p.Phe911_Cys912insTer (NM_001407454.1, NM_001407455.1, NM_001407456.1 and 1 more transcripts); c.2985del, p.Phe994_Cys995insTer (NM_001127510.3, NM_001354895.2, NM_001407450.1); c.2931del, p.Phe976_Cys977insTer (NM_001127511.3); c.3039del, p.Phe1012_Cys1013insTer (NM_001354896.2, NM_001407447.1, NM_001407448.1 and 1 more transcripts); and 11 more.
Identifiers: ClinVar variation 4827291 (VCV004827291.1).